The following is an entry in ClinVar:

ClinVar aggregate classification (germline): Uncertain significance (1 of 4 stars; one submission).

Conditions:
Mitochondrial complex II deficiency, nuclear type 1. Also called: SUCCINATE CoQ REDUCTASE DEFICIENCY. Identifiers: Orphanet 3208, MedGen C5700310, MONDO:0100294, OMIM 252011.
Pheochromocytoma/paraganglioma syndrome 5. Also called: Paragangliomas 5; SDHA-Related Hereditary Paraganglioma-Pheochromocytoma Syndrome. Identifiers: Orphanet 29072, MedGen C3279992, MONDO:0013602, OMIM 614165.

Submission:

Labcorp Genetics (formerly Invitae), Labcorp
Classification: Uncertain significance for Pheochromocytoma/paraganglioma syndrome 5; Mitochondrial complex II deficiency, nuclear type 1. Last evaluated: 2024-02-02. Review status: criteria provided, single submitter. Criteria: Invitae Variant Classification Sherloc (09022015). Collection method: clinical testing. Allele origin: germline.
Comment: This sequence change replaces alanine, which is neutral and non-polar, with glycine, which is neutral and non-polar, at codon 45 of the SDHA protein (p.Ala45Gly). This variant is not present in population databases (gnomAD no frequency). This variant has not been reported in the literature in individuals affected with SDHA-related conditions. Advanced modeling of protein sequence and biophysical properties (such as structural, functional, and spatial information, amino acid conservation, physicochemical variation, residue mobility, and thermodynamic stability) performed at Invitae indicates that this missense variant is not expected to disrupt SDHA protein function with a negative predictive value of 95%. Algorithms developed to predict the effect of sequence changes on RNA splicing suggest that this variant may create or strengthen a splice site. In summary, the available evidence is currently insufficient to determine the role of this variant in disease. Therefore, it has been classified as a Variant of Uncertain Significance.

NM_004168.4(SDHA):c.134C>G (p.Ala45Gly)

Gene: SDHA (succinate dehydrogenase complex flavoprotein subunit A; plus strand). Cytogenetic location: 5p15.33.
Variant type: single nucleotide variant.
Coding change: c.134C>G on transcript NM_004168.4 (MANE Select); coding-DNA position 134, C replaced by G.
Protein change: p.Ala45Gly; replaces alanine 45 with glycine.
Molecular consequence: missense variant.
Genome position (GRCh38, 1-based): chr5:223,552, C>G. VCF-style: chr5-223552-C-G. GRCh37 (hg19) VCF-style: chr5-223667-C-G.
Other names: c.134C>G, p.Ala45Gly (NM_001294332.2, NM_001330758.2); short protein forms A45G.
Identifiers: ClinVar variation 3754180 (VCV003754180.2).